The following is an entry in ClinVar:

ClinVar aggregate classification (germline): Uncertain significance (1 of 4 stars; one submission).

Submission:

Labcorp Genetics (formerly Invitae), Labcorp
Classification: Uncertain significance. Last evaluated: 2022-04-07. Review status: criteria provided, single submitter. Criteria: Invitae Variant Classification Sherloc (09022015). Collection method: clinical testing. Allele origin: germline.
Comment: This sequence change replaces serine, which is neutral and polar, with threonine, which is neutral and polar, at codon 1264 of the ERCC6 protein (p.Ser1264Thr). In summary, the available evidence is currently insufficient to determine the role of this variant in disease. Therefore, it has been classified as a Variant of Uncertain Significance. Algorithms developed to predict the effect of missense changes on protein structure and function (SIFT, PolyPhen-2, Align-GVGD) all suggest that this variant is likely to be disruptive. This variant has not been reported in the literature in individuals affected with ERCC6-related conditions. This variant is not present in population databases (gnomAD no frequency).

NM_000124.4(ERCC6):c.3791G>C (p.Ser1264Thr)

Gene: ERCC6 (ERCC excision repair 6, chromatin remodeling factor; minus strand). Cytogenetic location: 10q11.23.
Variant type: single nucleotide variant.
Coding change: c.3791G>C on transcript NM_000124.4 (MANE Select); coding-DNA position 3791, G replaced by C.
Protein change: p.Ser1264Thr; replaces serine 1264 with threonine.
Molecular consequence: missense variant.
Genome position (GRCh38, 1-based): chr10:49,461,544, C>G on the plus strand (G>C on the coding strand, the complement: ERCC6 is on the minus strand). VCF-style: chr10-49461544-C-G. GRCh37 (hg19) VCF-style: chr10-50669590-C-G.
Other names: c.3791G>C, p.Ser1264Thr (NM_001346440.2); short protein forms S1264T.
Identifiers: ClinVar variation 2122419 (VCV002122419.4), dbSNP rs2495950105, ClinGen allele CA376708776.